The following is an entry in ClinVar:

ClinVar aggregate classification (germline): Likely benign. Review status: criteria provided, multiple submitters, no conflicts (2 of 4 stars). 8 submissions from 8 submitters: Likely benign (7). 1 of the submissions does not count toward it. Last evaluated 2026-01-13.

Conditions:
MYH11-related disorder. Also called: MYH11-related condition.
Familial thoracic aortic aneurysm and aortic dissection (TAAD). Also called: Thoracic aortic aneurysms and dissections. Identifiers: Orphanet 91387, MedGen C4707243, MONDO:0019625.
Aortic aneurysm, familial thoracic 4 (AAT4). Also called: AORTIC ANEURYSM/AORTIC DISSECTION AND PATENT DUCTUS ARTERIOSUS. Identifiers: MedGen C1851504, MONDO:0007568, OMIM 132900.

Allele frequency attached by ClinVar (database versions not stated): ExAC 0.00002; gnomAD exomes 0.00002 and 0.00004; gnomAD 0.00003; TOPMed 0.00003; ESP Exome Variant Server 0.00008.
gnomAD v4.1: 72 of 1,613,654 alleles (0.0045%); highest among the groups gnomAD compares: Non-Finnish European, 0.0053%; no homozygotes.

Submissions (8):

Labcorp Genetics (formerly Invitae), Labcorp
Classification: Likely benign for Aortic aneurysm, familial thoracic 4. Last evaluated: 2026-01-13. Review status: criteria provided, single submitter. Criteria: Invitae Variant Classification Sherloc (09022015). Collection method: clinical testing. Allele origin: germline.

CeGaT Center for Human Genetics Tuebingen
Classification: Likely benign. Last evaluated: 2025-06-01. Review status: criteria provided, single submitter. Criteria: CeGaT Center For Human Genetics Tuebingen Variant Classification Criteria Version 2. Collection method: clinical testing. Allele origin: germline. Affected: yes. Observed: 1 variant allele.
Comment: MYH11: BP4, BP7

All of Us Research Program, National Institutes of Health
Classification: Likely benign for Familial thoracic aortic aneurysm and aortic dissection. Last evaluated: 2023-12-18. Review status: criteria provided, single submitter. Criteria: ACMG Guidelines, 2015. Collection method: clinical testing. Allele origin: germline. Inheritance: Autosomal dominant inheritance. Observed: 11 variant alleles, 11 heterozygotes.
Comment: This study involves interpretation of variants in research participants for the purpose of population health screening. Participant phenotype was not available at the time of variant classification. Additional details can be found in publication PMID: 35346344, PMCID: PMC8962531

Blueprint Genetics
Classification: Likely benign. Last evaluated: 2023-12-04. Review status: criteria provided, single submitter. Criteria: ACMG Guidelines, 2015. Collection method: clinical testing. Allele origin: germline.

Women's Health and Genetics/Laboratory Corporation of America, LabCorp
Classification: Likely benign. Last evaluated: 2022-04-17. Review status: criteria provided, single submitter. Criteria: LabCorp Variant Classification Summary - May 2015. Collection method: clinical testing. Allele origin: germline.

Color Diagnostics, LLC DBA Color Health
Classification: Likely benign for Familial thoracic aortic aneurysm and aortic dissection. Last evaluated: 2019-10-28. Review status: criteria provided, single submitter. Criteria: ACMG Guidelines, 2015. Collection method: clinical testing. Allele origin: germline.

Ambry Genetics
Classification: Likely benign for Familial thoracic aortic aneurysm and aortic dissection. Last evaluated: 2015-06-05. Review status: criteria provided, single submitter. Criteria: Ambry Variant Classification Scheme 2023. Collection method: clinical testing. Allele origin: germline.

PreventionGenetics, part of Exact Sciences
Classification: Likely benign for MYH11-related condition. Last evaluated: 2021-08-16. Review status: no assertion criteria provided. Collection method: clinical testing. Allele origin: germline. Not counted in ClinVar's aggregate classification.
Comment: This variant is classified as likely benign based on ACMG/AMP sequence variant interpretation guidelines (Richards et al. 2015 PMID: 25741868, with internal and published modifications).

NM_002474.3(MYH11):c.5652G>A (p.Arg1884=)

Genes: MYH11 (myosin heavy chain 11; minus strand), NDE1 (nudE neurodevelopment protein 1; plus strand). Cytogenetic location: 16p13.11.
Variant type: single nucleotide variant.
Coding change: c.5652G>A on transcript NM_002474.3 (MANE Select); coding-DNA position 5652, G replaced by A.
Protein change: p.Arg1884=; no amino-acid change (arginine 1884 retained).
Molecular consequence: synonymous variant. On other transcripts: intron variant (2).
Genome position (GRCh38, 1-based): chr16:15,715,043, C>T on the plus strand (G>A on the coding strand, the complement: MYH11 is on the minus strand). VCF-style: chr16-15715043-C-T. GRCh37 (hg19) VCF-style: chr16-15808900-C-T.
Other names: c.5673G>A, p.Arg1891= (NM_001040113.2, NM_001040114.2); c.5652G>A, p.Arg1884= (NM_022844.3); c.948-9148C>T (NM_001143979.2, NM_017668.3).
Identifiers: ClinVar variation 264071 (VCV000264071.29), dbSNP rs150860193, ClinGen allele CA7921174.
Genomic context (GRCh38, chr16:15,715,043, plus strand): 5'-CTGCAGCTTCCTGCGGTTGGCGTTGATGCGCTGGGACTCCTCCTCTGCCTCCTCCAGCTG[C>T]CTCTTGAGCTGCTTGACCCTGGCATTGCCTTTCTCTGCCTGTCGCGGAGAGTTGGAGGGG-3'
Protein context (NP_002465.1, residues 1874-1894): KGNARVKQLK[Arg1884=]QLEEAEEESQ